The following is an entry in ClinVar:

NM_001290043.2(TAP2):c.1796A>T (p.Asp599Val)

Gene: TAP2 (transporter 2, ATP binding cassette subfamily B member; minus strand). Cytogenetic location: 6p21.32.
Variant type: single nucleotide variant.
Coding change: c.1796A>T on transcript NM_001290043.2 (MANE Select); coding-DNA position 1796, A replaced by T.
Protein change: p.Asp599Val; replaces aspartic acid 599 with valine.
Molecular consequence: missense variant.
Genome position (GRCh38, 1-based): chr6:32,829,536, T>A on the plus strand (A>T on the coding strand, the complement: TAP2 is on the minus strand). VCF-style: chr6-32829536-T-A. GRCh37 (hg19) VCF-style: chr6-32797313-T-A.
Other names: c.1796A>T, p.Asp599Val (NM_000544.3, NM_018833.3); short protein forms D599V.
Identifiers: ClinVar variation 1936169 (VCV001936169.5), dbSNP rs755658620, ClinGen allele CA3745790.
Genomic context (GRCh38, chr6:32,829,536, plus strand): 5'-CGGGCAATGGCCAGACGTTGTTTCTGTCCCGCAGCCAGCTGGCTTCCCTTCTCCCCTACA[T>A]CTGAGGAAATCAGAGAAATTCCCTTCCTCAGATACAAGTGACACAGACAACACACAAGGA-3'
Protein context (NP_001276972.1, residues 589-609): IQEMEHGIYT[Asp599Val]VGEKGSQLAA

ClinVar aggregate classification (germline): Uncertain significance (1 of 4 stars; one submission).

Conditions:
MHC class I deficiency. Identifiers: Orphanet 34592, MedGen C6024714, MONDO:0011476.

Allele frequency attached by ClinVar (database versions not stated): gnomAD exomes below 0.00001; ExAC 0.00001.
gnomAD v4.1: 5 of 1,614,086 alleles (0.00031%); highest among the groups gnomAD compares: South Asian, 0.0011%; no homozygotes.

Submission:

Labcorp Genetics (formerly Invitae), Labcorp
Classification: Uncertain significance for MHC class I deficiency 1. Last evaluated: 2025-11-16. Review status: criteria provided, single submitter. Criteria: Invitae Variant Classification Sherloc (09022015). Collection method: clinical testing. Allele origin: germline.
Comment: This sequence change replaces aspartic acid, which is acidic and polar, with valine, which is neutral and non-polar, at codon 599 of the TAP2 protein (p.Asp599Val). This variant is present in population databases (rs755658620, gnomAD 0.002%). This variant has not been reported in the literature in individuals affected with TAP2-related conditions. ClinVar contains an entry for this variant (Variation ID: 1936169). Experimental studies and prediction algorithms are not available or were not evaluated, and the functional significance of this variant is currently unknown. In summary, the available evidence is currently insufficient to determine the role of this variant in disease. Therefore, it has been classified as a Variant of Uncertain Significance.